The following is an entry in ClinVar:

ClinVar aggregate classification (germline): Conflicting classifications of pathogenicity. Review status: criteria provided, conflicting classifications (1 of 4 stars). 3 submissions from 3 submitters: Uncertain significance (1); Likely benign (2). Last evaluated 2025-10-07.

Conditions:
Hereditary cancer-predisposing syndrome. Also called: Neoplastic Syndromes, Hereditary; Tumor predisposition; Hereditary neoplastic syndrome; Hereditary Cancer Syndrome. Identifiers: Orphanet 140162, MedGen C0027672, MeSH D009386, MONDO:0015356.
BAP1-related tumor predisposition syndrome (TPDS1). Also called: Tumor susceptibility linked to germline BAP1 mutations; BAP1 tumor predisposition syndrome; TUMOR PREDISPOSITION SYNDROME 1; COMMON Syndrome. Identifiers: Orphanet 289539, MedGen C3280492, MONDO:0013692, OMIM 614327.

Allele frequency attached by ClinVar (database versions not stated): TOPMed below 0.00001.

Submissions (3):

Labcorp Genetics (formerly Invitae), Labcorp
Classification: Likely benign for BAP1-related tumor predisposition syndrome. Last evaluated: 2025-10-07. Review status: criteria provided, single submitter. Criteria: Invitae Variant Classification Sherloc (09022015). Collection method: clinical testing. Allele origin: germline.

Myriad Genetics, Inc.
Classification: Likely benign for BAP1-related tumor predisposition syndrome. Last evaluated: 2024-07-16. Review status: criteria provided, single submitter. Criteria: Myriad Autosomal Dominant, Autosomal Recessive and X-Linked Classification Criteria (2023). Collection method: clinical testing. Allele origin: unknown.
Comment: This variant is considered likely benign. This variant is intronic and is not expected to impact mRNA splicing.

Color Diagnostics, LLC DBA Color Health
Classification: Uncertain significance for Hereditary cancer-predisposing syndrome. Last evaluated: 2019-02-01. Review status: criteria provided, single submitter. Criteria: ACMG Guidelines, 2015. Collection method: clinical testing. Allele origin: germline.

NM_004656.4(BAP1):c.1251-9G>T

Gene: BAP1 (BRCA1 associated deubiquitinase 1; minus strand). Cytogenetic location: 3p21.1.
Variant type: single nucleotide variant.
Coding change: c.1251-9G>T on transcript NM_004656.4 (MANE Select); 9 bases into the intron before coding-DNA position 1251, G replaced by T.
Molecular consequence: intron variant.
Genome position (GRCh38, 1-based): chr3:52,403,903, C>A on the plus strand (G>T on the coding strand, the complement: BAP1 is on the minus strand). VCF-style: chr3-52403903-C-A. GRCh37 (hg19) VCF-style: chr3-52437919-C-A.
Identifiers: ClinVar variation 628959 (VCV000628959.9), dbSNP rs1553645016, ClinGen allele CA913188166.
Genomic context (GRCh38, chr3:52,403,903, plus strand): 5'-ATCAGCAGAACCGCTCAATGCCCCTGGCTTCCCTGTTCCCTTCCCCTTATACCTGTGGGG[C>A]CCGAGAAGATGTGAAGCAAGGGAACGGGCCAGGTGACCATACCCAGCAGTACCCAGAATG-3'